The following is an entry in ClinVar:

NM_001363711.2(DUOX2):c.16_19dup (p.Glu7fs)

Gene: DUOX2 (dual oxidase 2; minus strand). Cytogenetic location: 15q21.1.
Variant type: Duplication.
Coding change: c.16_19dup on transcript NM_001363711.2 (MANE Select); coding-DNA positions 16 to 19, 4 bases duplicated (CCAG; older notation c.16_19dupCCAG).
Protein change: p.Glu7fs; shifts the reading frame from glutamic acid 7.
Molecular consequence: frameshift variant.
Genome position (GRCh38, 1-based): chr15:45,113,393-45,113,396, CTGG duplicated on the plus strand (CCAG on the coding strand, the reverse complement: DUOX2 is on the minus strand). VCF-style (leftmost placement, unchanged base first): chr15-45113392-T-TCTGG. GRCh37 (hg19) VCF-style: chr15-45405590-T-TCTGG.
Other names: c.16_19dup, p.Glu7fs (NM_014080.5); short protein forms E7fs.
Identifiers: ClinVar variation 2118971 (VCV002118971.4), dbSNP rs1301718118, ClinGen allele CA617694681.

ClinVar aggregate classification (germline): Pathogenic (1 of 4 stars; one submission).

Allele frequency attached by ClinVar (database versions not stated): gnomAD exomes 0.00001.

Submission:

Labcorp Genetics (formerly Invitae), Labcorp
Classification: Pathogenic. Last evaluated: 2022-03-28. Review status: criteria provided, single submitter. Criteria: Invitae Variant Classification Sherloc (09022015). Collection method: clinical testing. Allele origin: germline.
Comment: This sequence change creates a premature translational stop signal (p.Glu7Alafs*34) in the DUOX2 gene. It is expected to result in an absent or disrupted protein product. Loss-of-function variants in DUOX2 are known to be pathogenic (PMID: 12110737, 18765513, 21565790, 24423310, 24735383). This variant is present in population databases (no rsID available, gnomAD 0.006%). This variant has not been reported in the literature in individuals affected with DUOX2-related conditions. For these reasons, this variant has been classified as Pathogenic.

Literature cited by the submitters: PubMed 12110737; PubMed 18765513; PubMed 21565790; PubMed 24423310; PubMed 24735383.